The following is an entry in ClinVar:

NM_001365088.1(SLC12A6):c.1125C>T (p.Cys375=)

Gene: SLC12A6 (solute carrier family 12 member 6; minus strand). Cytogenetic location: 15q14.
Variant type: single nucleotide variant.
Coding change: c.1125C>T on transcript NM_001365088.1 (MANE Select); coding-DNA position 1125, C replaced by T.
Protein change: p.Cys375=; no amino-acid change (cysteine 375 retained).
Molecular consequence: synonymous variant.
Genome position (GRCh38, 1-based): chr15:34,252,378, G>A on the plus strand (C>T on the coding strand, the complement: SLC12A6 is on the minus strand). VCF-style: chr15-34252378-G-A. GRCh37 (hg19) VCF-style: chr15-34544579-G-A.
Other names: c.948C>T, p.Cys316= (NM_001042494.2, NM_001042495.2); c.1098C>T, p.Cys366= (NM_001042496.2); c.1080C>T, p.Cys360= (NM_001042497.2); c.972C>T, p.Cys324= (NM_005135.2); c.1125C>T, p.Cys375= (NM_133647.2).
Identifiers: ClinVar variation 4084890 (VCV004084890.8).

ClinVar aggregate classification (germline): Likely benign (1 of 4 stars; one submission).

gnomAD v4.1: 8 of 1,597,056 alleles (0.0005%); highest among the groups gnomAD compares: South Asian, 0.0011%; no homozygotes.

Submission:

CeGaT Center for Human Genetics Tuebingen
Classification: Likely benign. Last evaluated: 2025-07-01. Review status: criteria provided, single submitter. Criteria: CeGaT Center For Human Genetics Tuebingen Variant Classification Criteria Version 2. Collection method: clinical testing. Allele origin: germline. Affected: yes. Observed: 1 variant allele.
Comment: SLC12A6: BP4, BP7